The following is an entry in ClinVar:

ClinVar aggregate classification (germline): Benign/Likely benign. Review status: criteria provided, multiple submitters, no conflicts (2 of 4 stars). 6 submissions from 6 submitters: Benign (1); Likely benign (3). 2 of the submissions do not count toward it. Last evaluated 2026-01-20.

Conditions:
Loeys-Dietz syndrome 4 (LDS4). Also called: TGFB2-Related Loeys-Dietz Syndrome; ANEURYSM, AORTIC AND CEREBRAL, WITH ARTERIAL TORTUOSITY AND SKELETAL MANIFESTATIONS. Identifiers: MedGen C3553762, MONDO:0013897, OMIM 614816.

Allele frequency attached by ClinVar (database versions not stated): ExAC 0.00013; gnomAD 0.00014 and 0.00015; gnomAD exomes 0.00014 and 0.00020; ESP Exome Variant Server 0.00015; TOPMed 0.00019.
gnomAD v4.1: 231 of 1,561,496 alleles (0.015%); highest among the groups gnomAD compares: Middle Eastern, 0.42%; no homozygotes.

Submissions (7):

Labcorp Genetics (formerly Invitae), Labcorp
Classification: Likely benign for Loeys-Dietz syndrome 4. Last evaluated: 2026-01-20. Review status: criteria provided, single submitter. Criteria: Invitae Variant Classification Sherloc (09022015). Collection method: clinical testing. Allele origin: germline.

Blueprint Genetics
Classification: Likely benign. Last evaluated: 2024-11-20. Review status: criteria provided, single submitter. Criteria: ACMG Guidelines, 2015. Collection method: clinical testing. Allele origin: germline.

GeneDx
Classification: Benign. Last evaluated: 2016-04-12. Review status: criteria provided, single submitter. Criteria: GeneDx Variant Classification (06012015). Collection method: clinical testing. Allele origin: germline. Affected: yes.
Comment: This variant is considered likely benign or benign based on one or more of the following criteria: it is a conservative change, it occurs at a poorly conserved position in the protein, it is predicted to be benign by multiple in silico algorithms, and/or has population frequency not consistent with disease.

Breakthrough Genomics
Classification: Likely benign. Review status: criteria provided, single submitter. Criteria: ACMG Guidelines, 2015. Collection method: not provided. Allele origin: germline. Inheritance: Autosomal dominant inheritance. Affected: yes.

Dr. Peter K. Rogan Lab, Western University
No classification provided (evidence only). Condition: Ovarian serous cystadenocarcinoma. Review status: no classification provided. Collection method: in vitro. Allele origin: not applicable. Functional consequence: retained intron. Not counted in ClinVar's aggregate classification.

Genome Diagnostics Laboratory, University Medical Center Utrecht
Classification: Likely benign. Review status: no assertion criteria provided. Collection method: clinical testing. Allele origin: germline. Affected: yes. Study: VKGL Data-share Consensus. Not counted in ClinVar's aggregate classification.

Joint Genome Diagnostic Labs from Nijmegen and Maastricht, Radboudumc and MUMC+
Classification: Likely benign. Review status: no assertion criteria provided. Collection method: clinical testing. Allele origin: germline. Affected: yes. Study: VKGL Data-share Consensus. Not counted in ClinVar's aggregate classification.

NM_003238.6(TGFB2):c.347-14C>G

Gene: TGFB2 (transforming growth factor beta 2; plus strand). Cytogenetic location: 1q41.
Variant type: single nucleotide variant.
Coding change: c.347-14C>G on transcript NM_003238.6 (MANE Select); 14 bases into the intron before coding-DNA position 347, C replaced by G.
Molecular consequence: intron variant.
Genome position (GRCh38, 1-based): chr1:218,405,155, C>G. VCF-style: chr1-218405155-C-G. GRCh37 (hg19) VCF-style: chr1-218578497-C-G.
Other names: c.431-14C>G (NM_001135599.4).
Identifiers: ClinVar variation 378724 (VCV000378724.18), dbSNP rs371982231, ClinGen allele CA1398445.